The following is an entry in ClinVar:

NM_001458.5(FLNC):c.2180G>A (p.Arg727His)

Gene: FLNC (filamin C; plus strand). Cytogenetic location: 7q32.1.
Variant type: single nucleotide variant.
Coding change: c.2180G>A on transcript NM_001458.5 (MANE Select); coding-DNA position 2180, G replaced by A.
Protein change: p.Arg727His; replaces arginine 727 with histidine.
Molecular consequence: missense variant.
Genome position (GRCh38, 1-based): chr7:128,842,289, G>A. VCF-style: chr7-128842289-G-A. GRCh37 (hg19) VCF-style: chr7-128482343-G-A.
Other names: c.2180G>A, p.Arg727His (NM_001127487.2); short protein forms R727H.
Identifiers: ClinVar variation 472000 (VCV000472000.41), dbSNP rs200618242, ClinGen allele CA4474631.

ClinVar aggregate classification (germline): Benign/Likely benign. Review status: criteria provided, multiple submitters, no conflicts (2 of 4 stars). 12 submissions from 12 submitters: Benign (2); Likely benign (7). 3 of the submissions do not count toward it. Last evaluated 2026-02-03.

Conditions:
FLNC-related disorder. Also called: FLNC-related condition; FLNC-related disorders.
Cardiovascular phenotype. Identifiers: MedGen CN230736.
Hypertrophic cardiomyopathy 26. Also called: Cardiomyopathy, familial hypertrophic, 26. Identifiers: Orphanet 75249, MedGen C4310749, MONDO:0014883, OMIM 617047.
Myofibrillar myopathy 5. Also called: Filaminopathy (type); FILAMINOPATHY, AUTOSOMAL DOMINANT. Identifiers: Orphanet 171445, MedGen C1836050, MONDO:0012289, OMIM 609524.
Distal myopathy with posterior leg and anterior hand involvement. Also called: WILLIAMS DISTAL MYOPATHY. Identifiers: Orphanet 63273, MedGen C3279722, MONDO:0013550, OMIM 614065.

Allele frequency attached by ClinVar (database versions not stated): 1000 Genomes Project 0.00040; 1000 Genomes Project 30x 0.00047; gnomAD 0.00111 and 0.00120; TOPMed 0.00128; ESP Exome Variant Server 0.00148; gnomAD exomes 0.00013 and 0.00029; ExAC 0.00035.
gnomAD v4.1: 391 of 1,613,848 alleles (0.024%); highest among the groups gnomAD compares: African/African-American, 0.37%; 1 homozygote.

Submissions (12):

Labcorp Genetics (formerly Invitae), Labcorp
Classification: Likely benign for Distal myopathy with posterior leg and anterior hand involvement; Myofibrillar myopathy 5; Hypertrophic cardiomyopathy 26. Last evaluated: 2026-02-03. Review status: criteria provided, single submitter. Criteria: Invitae Variant Classification Sherloc (09022015). Collection method: clinical testing. Allele origin: germline.

Molecular Diagnostic Laboratory for Inherited Cardiovascular Disease, Montreal Heart Institute
Classification: Likely benign. Last evaluated: 2025-04-09. Review status: criteria provided, single submitter. Criteria: ACMG Guidelines, 2015. Collection method: clinical testing. Allele origin: germline. Affected: no.
Comment: BS1;BP4

Blueprint Genetics
Classification: Likely benign. Last evaluated: 2024-11-01. Review status: criteria provided, single submitter. Criteria: ACMG Guidelines, 2015. Collection method: clinical testing. Allele origin: germline.

CeGaT Center for Human Genetics Tuebingen
Classification: Benign. Last evaluated: 2024-07-01. Review status: criteria provided, single submitter. Criteria: CeGaT Center For Human Genetics Tuebingen Variant Classification Criteria Version 2. Collection method: clinical testing. Allele origin: germline. Affected: yes. Observed: 1 variant allele.
Comment: FLNC: BP4, BS1, BS2

Women's Health and Genetics/Laboratory Corporation of America, LabCorp
Classification: Likely benign. Last evaluated: 2024-06-17. Review status: criteria provided, single submitter. Criteria: LabCorp Variant Classification Summary - May 2015. Collection method: clinical testing. Allele origin: germline.

ARUP Laboratories, Molecular Genetics and Genomics, ARUP Laboratories
Classification: Likely benign. Last evaluated: 2023-10-10. Review status: criteria provided, single submitter. Criteria: ARUP Molecular Germline Variant Investigation Process 2024. Collection method: clinical testing. Allele origin: germline.

GeneDx
Classification: Benign. Last evaluated: 2021-02-12. Review status: criteria provided, single submitter. Criteria: GeneDx Variant Classification Process June 2021. Collection method: clinical testing. Allele origin: germline. Affected: yes.

Ambry Genetics
Classification: Likely benign for Cardiovascular phenotype. Last evaluated: 2019-03-19. Review status: criteria provided, single submitter. Criteria: Ambry Variant Classification Scheme 2023. Collection method: clinical testing. Allele origin: germline.

Breakthrough Genomics
Classification: Likely benign. Review status: criteria provided, single submitter. Criteria: ACMG Guidelines, 2015. Collection method: not provided. Allele origin: germline. Inheritance: Autosomal dominant inheritance. Affected: yes.

PreventionGenetics, part of Exact Sciences
Classification: Likely benign for FLNC-related condition. Last evaluated: 2019-05-20. Review status: no assertion criteria provided. Collection method: clinical testing. Allele origin: germline. Not counted in ClinVar's aggregate classification.
Comment: This variant is classified as likely benign based on ACMG/AMP sequence variant interpretation guidelines (Richards et al. 2015 PMID: 25741868, with internal and published modifications).

Clinical Genetics DNA and cytogenetics Diagnostics Lab, Erasmus MC, Erasmus Medical Center
Classification: Likely benign. Review status: no assertion criteria provided. Collection method: clinical testing. Allele origin: germline. Affected: yes. Study: VKGL Data-share Consensus. Not counted in ClinVar's aggregate classification.

Clinical Genetics, Academic Medical Center
Classification: Benign. Review status: no assertion criteria provided. Collection method: clinical testing. Allele origin: germline. Affected: yes. Study: VKGL Data-share Consensus. Not counted in ClinVar's aggregate classification.